The following is an entry in ClinVar:

ClinVar aggregate classification (germline): Uncertain significance (1 of 4 stars; one submission).

Allele frequency attached by ClinVar (database versions not stated): gnomAD exomes below 0.00001.

Submission:

Labcorp Genetics (formerly Invitae), Labcorp
Classification: Uncertain significance. Last evaluated: 2021-12-19. Review status: criteria provided, single submitter. Criteria: Invitae Variant Classification Sherloc (09022015). Collection method: clinical testing. Allele origin: germline.
Comment: In summary, the available evidence is currently insufficient to determine the role of this variant in disease. Therefore, it has been classified as a Variant of Uncertain Significance. Algorithms developed to predict the effect of missense changes on protein structure and function are either unavailable or do not agree on the potential impact of this missense change (SIFT: "Tolerated"; PolyPhen-2: "Possibly Damaging"; Align-GVGD: "Class C15"). This variant has not been reported in the literature in individuals affected with SCO2-related conditions. This variant is not present in population databases (gnomAD no frequency). This sequence change replaces alanine, which is neutral and non-polar, with serine, which is neutral and polar, at codon 74 of the SCO2 protein (p.Ala74Ser).

NM_005138.3(SCO2):c.220G>T (p.Ala74Ser)

Genes: NCAPH2 (non-SMC condensin II complex subunit H2; plus strand), SCO2 (synthesis of cytochrome C oxidase 2; minus strand). Cytogenetic location: 22q13.33.
Variant type: single nucleotide variant.
Coding change: c.220G>T on transcript NM_005138.3 (MANE Select); coding-DNA position 220, G replaced by T.
Protein change: p.Ala74Ser; replaces alanine 74 with serine.
Molecular consequence: missense variant. On other transcripts: 3 prime UTR variant (2).
Genome position (GRCh38, 1-based): chr22:50,524,192, C>A on the plus strand (G>T on the coding strand, the complement: SCO2 is on the minus strand). VCF-style: chr22-50524192-C-A. GRCh37 (hg19) VCF-style: chr22-50962621-C-A.
Other names: c.*817C>A (NM_001185011.2, NM_152299.4); c.220G>T, p.Ala74Ser (NM_001169109.2, NM_001169110.1, NM_001169111.2); short protein forms A74S.
Identifiers: ClinVar variation 2048352 (VCV002048352.3), dbSNP rs2069222112, ClinGen allele CA412193574.
Genomic context (GRCh38, chr22:50,524,192, plus strand): 5'-GGGCTTCTGTTCGCTTTTGCTGCTGCAGCCTCTCCTTCTCAGCCCTCAGGGCCAGCCAGG[C>A]CCCACCGAGTCCAGCCCCGAACAGGCCTGTGATCAGCAGCCGGGTTCGAAGCCCAGGGCC-3'
Protein context (NP_005129.2, residues 64-84): TGLFGAGLGG[Ala74Ser]WLALRAEKER